The following is an entry in ClinVar:

ClinVar aggregate classification (germline): Conflicting classifications of pathogenicity. Review status: criteria provided, conflicting classifications (1 of 4 stars). 4 submissions from 4 submitters: Uncertain significance (2); Likely benign (2). Last evaluated 2026-01-30.

Conditions:
Hereditary cancer-predisposing syndrome. Also called: Tumor predisposition; Hereditary Cancer Syndrome; Neoplastic Syndromes, Hereditary; Hereditary neoplastic syndrome. Identifiers: Orphanet 140162, MedGen C0027672, MeSH D009386, MONDO:0015356.
Patterned macular dystrophy 2. Identifiers: Orphanet 99001, MedGen C1837029, MONDO:0012162, OMIM 608970.
Hereditary diffuse gastric adenocarcinoma (HDGC). Also called: DIFFUSE GASTRIC AND LOBULAR BREAST CANCER SYNDROME. Identifiers: Orphanet 26106, MedGen C1708349, MONDO:0007648, OMIM 137215.
CTNNA1-related diffuse gastric and lobular breast cancer syndrome. Identifiers: MedGen CN324029, MONDO:0100256.

Allele frequency attached by ClinVar (database versions not stated): gnomAD 0.00001; ExAC 0.00002; TOPMed 0.00002; gnomAD exomes 0.00004.
gnomAD v4.1: 97 of 1,614,040 alleles (0.006%); highest among the groups gnomAD compares: Non-Finnish European, 0.0081%; no homozygotes.

Submissions (4):

Labcorp Genetics (formerly Invitae), Labcorp
Classification: Uncertain significance. Last evaluated: 2026-01-30. Review status: criteria provided, single submitter. Criteria: Invitae Variant Classification Sherloc (09022015). Collection method: clinical testing. Allele origin: germline.
Comment: This sequence change replaces arginine, which is basic and polar, with glutamine, which is neutral and polar, at codon 121 of the CTNNA1 protein (p.Arg121Gln). This variant is present in population databases (rs749878552, gnomAD 0.008%). This variant has not been reported in the literature in individuals affected with CTNNA1-related conditions. ClinVar contains an entry for this variant (Variation ID: 824008). Invitae Evidence Modeling of protein sequence and biophysical properties (such as structural, functional, and spatial information, amino acid conservation, physicochemical variation, residue mobility, and thermodynamic stability) indicates that this missense variant is expected to disrupt CTNNA1 protein function with a positive predictive value of 80%. In summary, the available evidence is currently insufficient to determine the role of this variant in disease. Therefore, it has been classified as a Variant of Uncertain Significance.

Myriad Genetics, Inc.
Classification: Likely benign for Hereditary diffuse gastric adenocarcinoma. Last evaluated: 2024-10-09. Review status: criteria provided, single submitter. Criteria: Myriad Autosomal Dominant, Autosomal Recessive and X-Linked Classification Criteria (2023). Collection method: clinical testing. Allele origin: unknown.
Comment: This variant is considered likely benign. This variant has been observed at a population frequency that is significantly greater than expected given the associated disease prevalence and penetrance.

Fulgent Genetics
Classification: Uncertain significance for Patterned macular dystrophy 2. Last evaluated: 2024-04-02. Review status: criteria provided, single submitter. Criteria: ACMG Guidelines, 2015. Collection method: clinical testing. Allele origin: germline.

Ambry Genetics
Classification: Likely benign for Hereditary cancer-predisposing syndrome. Last evaluated: 2024-03-01. Review status: criteria provided, single submitter. Criteria: Ambry Variant Classification Scheme 2023. Collection method: clinical testing. Allele origin: germline.

Literature cited by the submitters: PubMed 32051609 (cited by Ambry Genetics).

NM_001903.5(CTNNA1):c.362G>A (p.Arg121Gln)

Gene: CTNNA1 (catenin alpha 1; plus strand). Cytogenetic location: 5q31.2.
Variant type: single nucleotide variant.
Coding change: c.362G>A on transcript NM_001903.5 (MANE Select); coding-DNA position 362, G replaced by A.
Protein change: p.Arg121Gln; replaces arginine 121 with glutamine.
Molecular consequence: missense variant. On other transcripts: intron variant (1).
Genome position (GRCh38, 1-based): chr5:138,810,098, G>A. VCF-style: chr5-138810098-G-A. GRCh37 (hg19) VCF-style: chr5-138145787-G-A.
Other names: c.362G>A, p.Arg121Gln (NM_001290307.3, NM_001323982.2, NM_001323983.1 and 3 more transcripts); c.53G>A, p.Arg18Gln (NM_001290309.3); c.-5-3G>A (NM_001290310.3); short protein forms R18Q, R121Q.
Identifiers: ClinVar variation 824008 (VCV000824008.15), dbSNP rs749878552, ClinGen allele CA3431430.
Genomic context (GRCh38, chr5:138,810,098, plus strand): 5'-GTGATTTGATGAAGGCTGCTGCAGGAGAGTTCGCAGATGATCCCTGCTCTTCTGTGAAGC[G>A]AGGCAACATGGTTCGGGCAGCTCGAGCTTTGCTCTCTGCTGTTACCCGGTTGCTGATTTT-3'
Protein context (NP_001894.2, residues 111-131): FADDPCSSVK[Arg121Gln]GNMVRAARAL